The following is an entry in ClinVar:

NM_003000.3(SDHB):c.476A>G (p.Lys159Arg)

Gene: SDHB (succinate dehydrogenase complex iron sulfur subunit B; minus strand). Cytogenetic location: 1p36.13.
Variant type: single nucleotide variant.
Coding change: c.476A>G on transcript NM_003000.3 (MANE Select); coding-DNA position 476, A replaced by G.
Protein change: p.Lys159Arg; replaces lysine 159 with arginine.
Molecular consequence: missense variant.
Genome position (GRCh38, 1-based): chr1:17,027,813, T>C on the plus strand (A>G on the coding strand, the complement: SDHB is on the minus strand). VCF-style: chr1-17027813-T-C. GRCh37 (hg19) VCF-style: chr1-17354308-T-C.
Other names: c.422A>G, p.Lys141Arg (NM_001407361.1); short protein forms K141R, K159R.
Identifiers: ClinVar variation 3073992 (VCV003073992.1), dbSNP rs2525017781, ClinGen allele CA338272869.
Genomic context (GRCh38, chr1:17,027,813, plus strand): 5'-TTCTCACGCTCTTCTATGGACTGCAGATACTGCTGCTTGCCTTCCTGAGATTCATCCTTC[T>C]TCTTCAAATAAGGCTCAATGGATTTGTACTGTGCATAGAAGTTGCTCAAATCCTGTGGTT-3'
Protein context (NP_002991.2, residues 149-169): QYKSIEPYLK[Lys159Arg]KDESQEGKQQ

ClinVar aggregate classification (germline): Uncertain significance (1 of 4 stars; one submission).

Conditions:
Hereditary pheochromocytoma and paraganglioma. Also called: Hereditary pheochromocytoma-paraganglioma; Hereditary Paraganglioma-Pheochromocytoma Syndromes; Hereditary paragangliomas and pheochromocytomas. Identifiers: Orphanet 29072, MedGen C4274332, MONDO:0017366.

Allele frequency attached by ClinVar (database versions not stated): gnomAD exomes below 0.00001.
gnomAD v4.1: 2 of 1,613,884 alleles (0.00012%); highest among the groups gnomAD compares: Non-Finnish European, 0.00017%; no homozygotes.

Submission:

All of Us Research Program, National Institutes of Health
Classification: Uncertain significance for Hereditary pheochromocytoma and paraganglioma. Last evaluated: 2023-11-30. Review status: criteria provided, single submitter. Criteria: ACMG Guidelines, 2015. Collection method: clinical testing. Allele origin: germline. Inheritance: Autosomal dominant inheritance. Observed: 1 variant allele, 1 heterozygote.
Comment: This study involves interpretation of variants in research participants for the purpose of population health screening. Participant phenotype was not available at the time of variant classification. Additional details can be found in publication PMID: 35346344, PMCID: PMC8962531